The following is an entry in ClinVar:

ClinVar aggregate classification (germline): Benign (1 of 4 stars; one submission).

Conditions:
Autosomal dominant optic atrophy classic form (OPA1). Also called: Optic Atrophy Type 1; KJER-TYPE OPTIC ATROPHY; OPTIC ATROPHY, JUVENILE. Identifiers: Orphanet 98673, MedGen C0338508, MONDO:0008134, OMIM 165500.

Allele frequency attached by ClinVar (database versions not stated): gnomAD 0.00021 and 0.00034; TOPMed 0.00040; 1000 Genomes Project 0.00180; 1000 Genomes Project 30x 0.00234.

Submission:

Illumina Laboratory Services, Illumina
Classification: Benign for Autosomal dominant optic atrophy classic form. Last evaluated: 2018-01-13. Review status: criteria provided, single submitter. Criteria: ICSL Variant Classification Criteria 13 December 2019. Collection method: clinical testing. Allele origin: germline.
Comment: This variant was observed in the ICSL laboratory as part of a predisposition screen in an ostensibly healthy population. It had not been previously curated by ICSL or reported in the Human Gene Mutation Database (HGMD: prior to June 1st, 2018), and was therefore a candidate for classification through an automated scoring system. Utilizing variant allele frequency, disease prevalence and penetrance estimates, and inheritance mode, an automated score was calculated to assess if this variant is too frequent to cause the disease. Based on the score and internal cut-off values, a variant classified as benign is not then subjected to further curation. The score for this variant resulted in a classification of benign for this disease.

NM_130837.3(OPA1):c.*2115G>A

Gene: OPA1 (OPA1 mitochondrial dynamin like GTPase; plus strand). Cytogenetic location: 3q29.
Variant type: single nucleotide variant.
Coding change: c.*2115G>A on transcript NM_130837.3 (MANE Select); 2115 bases downstream of the stop codon, G replaced by A.
Molecular consequence: 3 prime UTR variant.
Genome position (GRCh38, 1-based): chr3:193,696,715, G>A. VCF-style: chr3-193696715-G-A. GRCh37 (hg19) VCF-style: chr3-193414504-G-A.
Other names: c.*2115G>A (NM_001354663.2, NM_001354664.2, NM_015560.3 and 6 more transcripts).
Identifiers: ClinVar variation 344507 (VCV000344507.5), dbSNP rs144079165, ClinGen allele CA10615465.
Genomic context (GRCh38, chr3:193,696,715, plus strand): 5'-AAAAGTCAGAAATGATTCTAATTTAAACAAAAAGATACTAAATATACAGAAGTTAAATTC[G>A]AACTAGCCACAGAATCATTTGTTTTTATGTCAGAATTTGCAAAGAGTGGAGTGGACAAAG-3'